The following is an entry in ClinVar:

NM_003630.3(PEX3):c.766C>T (p.Arg256Ter)

Gene: PEX3 (peroxisomal biogenesis factor 3; plus strand). Cytogenetic location: 6q24.2.
Variant type: single nucleotide variant.
Coding change: c.766C>T on transcript NM_003630.3 (MANE Select); coding-DNA position 766, C replaced by T.
Protein change: p.Arg256Ter; replaces arginine 256 with a stop codon.
Molecular consequence: nonsense.
Genome position (GRCh38, 1-based): chr6:143,474,804, C>T. VCF-style: chr6-143474804-C-T. GRCh37 (hg19) VCF-style: chr6-143795941-C-T.
Other names: short protein forms R256*.
Identifiers: ClinVar variation 4742849 (VCV004742849.2).

ClinVar aggregate classification (germline): Pathogenic/Likely pathogenic. Review status: criteria provided, multiple submitters, no conflicts (2 of 4 stars). 2 submissions from 2 submitters: Pathogenic (1); Likely pathogenic (1). Last evaluated 2025-09-26.

Conditions:
PEX3-related disorder. Also called: PEX3-related condition.

gnomAD v4.1: 2 of 1,589,802 alleles (0.00013%); no homozygotes.

Submissions (2):

Labcorp Genetics (formerly Invitae), Labcorp
Classification: Pathogenic. Last evaluated: 2025-09-26. Review status: criteria provided, single submitter. Criteria: Invitae Variant Classification Sherloc (09022015). Collection method: clinical testing. Allele origin: germline.
Comment: This sequence change creates a premature translational stop signal (p.Arg256*) in the PEX3 gene. It is expected to result in an absent or disrupted protein product. Loss-of-function variants in PEX3 are known to be pathogenic (PMID: 10942428, 21031596). This variant is present in population databases (no rsID available, gnomAD 0.03%). This premature translational stop signal has been observed in individual(s) with clinical features of Zellweger spectrum disorders (PMID: 36964972). For these reasons, this variant has been classified as Pathogenic.

Blueprint Genetics
Classification: Likely pathogenic for PEX3-related disorders. Last evaluated: 2024-07-02. Review status: criteria provided, single submitter. Criteria: ACMG Guidelines, 2015. Collection method: clinical testing. Allele origin: germline. Affected: yes. Observed: 2 variant alleles.

Literature cited by the submitters: PubMed 10942428 (cited by Labcorp Genetics (formerly Invitae), Labcorp); PubMed 21031596 (cited by Labcorp Genetics (formerly Invitae), Labcorp); PubMed 36964972 (cited by Labcorp Genetics (formerly Invitae), Labcorp).